The following is an entry in ClinVar:

ClinVar aggregate classification (germline): Uncertain significance (1 of 4 stars; one submission).

Conditions:
FBN1-related disorder. Also called: FBN1-related disorders.

Submission:

3billion
Classification: Uncertain significance for FBN1-related disorder. Last evaluated: 2025-06-11. Review status: criteria provided, single submitter. Criteria: ACMG Guidelines, 2015. Collection method: clinical testing. Allele origin: germline. Affected: yes.
Comment: The variant is not observed in the gnomAD v4.1.0 dataset. Predicted Consequence/Location: Intron variant In silico tools predict the variant to alter splicing and produce an abnormal transcript [SpliceAI: 0.36 (>=0.2, moderate evidence for spliceogenicity)]. Therefore, this variant is classified as VUS according to the recommendation of ACMG/AMP guideline.

NM_000138.5(FBN1):c.443-12_443-10del

Gene: FBN1 (fibrillin 1; minus strand). Cytogenetic location: 15q21.1.
Variant type: Deletion.
Coding change: c.443-12_443-10del on transcript NM_000138.5 (MANE Select); 12 bases into the intron before coding-DNA position 443 through 10 bases into the intron before coding-DNA position 443, 3 bases deleted (CTT; older notation c.443-12_443-10delCTT).
Molecular consequence: intron variant.
Genome position (GRCh38, 1-based): chr15:48,596,388-48,596,390, AAG deleted on the plus strand (CTT on the coding strand, the reverse complement: FBN1 is on the minus strand). VCF-style (leftmost placement, unchanged base first): chr15-48596387-TAAG-T. GRCh37 (hg19) VCF-style: chr15-48888584-TAAG-T.
Other names: c.443-12_443-10del (NM_001406716.1, NM_001406717.1).
Identifiers: ClinVar variation 4856056 (VCV004856056.1).